The following is an entry in ClinVar:

ClinVar aggregate classification (germline): Likely benign (1 of 4 stars; one submission).

Conditions:
PPP1R3F-related condition.

Submission:

PreventionGenetics, part of Exact Sciences
Classification: Likely benign for PPP1R3F-related condition. Last evaluated: 2025-02-15. Review status: criteria provided, single submitter. Criteria: ACMG Guidelines, 2015. Collection method: clinical testing. Allele origin: germline.
Comment: This variant is classified as likely benign based on ACMG/AMP sequence variant interpretation guidelines (Richards et al. 2015 PMID: 25741868, with internal and published modifications).

NM_033215.5(PPP1R3F):c.918G>A (p.Pro306=)

Gene: PPP1R3F (protein phosphatase 1 regulatory subunit 3F; plus strand). Cytogenetic location: Xp11.23.
Variant type: single nucleotide variant.
Coding change: c.918G>A on transcript NM_033215.5 (MANE Select); coding-DNA position 918, G replaced by A.
Protein change: p.Pro306=; no amino-acid change (proline 306 retained).
Molecular consequence: synonymous variant. On other transcripts: intron variant (1).
Genome position (GRCh38, 1-based): chrX:49,270,787, G>A. VCF-style: chrX-49270787-G-A. GRCh37 (hg19) VCF-style: chrX-49127250-G-A.
Other names: c.-32+854G>A (NM_001184745.2).
Identifiers: ClinVar variation 4981115 (VCV004981115.1).